The following is an entry in ClinVar:

NM_000384.3(APOB):c.7469C>A (p.Thr2490Asn)

Gene: APOB (apolipoprotein B; minus strand). Cytogenetic location: 2p24.1.
Variant type: single nucleotide variant.
Coding change: c.7469C>A on transcript NM_000384.3 (MANE Select); coding-DNA position 7469, C replaced by A.
Protein change: p.Thr2490Asn; replaces threonine 2490 with asparagine.
Molecular consequence: missense variant.
Genome position (GRCh38, 1-based): chr2:21,009,399, G>T on the plus strand (C>A on the coding strand, the complement: APOB is on the minus strand). VCF-style: chr2-21009399-G-T. GRCh37 (hg19) VCF-style: chr2-21232271-G-T.
Other names: short protein forms T2490N.
Identifiers: ClinVar variation 5027116 (VCV005027116.1).

ClinVar aggregate classification (germline): Uncertain significance (1 of 4 stars; one submission).

Conditions:
Cardiovascular phenotype. Identifiers: MedGen CN230736.

Submission:

Ambry Genetics
Classification: Uncertain significance for Cardiovascular phenotype. Last evaluated: 2026-07-01. Review status: criteria provided, single submitter. Criteria: Ambry Variant Classification Scheme 2023. Collection method: clinical testing. Allele origin: germline.
Comment: The p.T2490N variant (also known as c.7469C>A), located in coding exon 26 of the APOB gene, results from a C to A substitution at nucleotide position 7469. The threonine at codon 2490 is replaced by asparagine, an amino acid with similar properties. This amino acid position is conserved. In addition, this alteration is predicted to be tolerated by in silico analysis. Based on the available evidence, the clinical significance of this variant remains unclear.